The following is an entry in ClinVar:

NM_001267550.2(TTN):c.86911G>A (p.Gly28971Arg)

Genes: TTN (titin; minus strand), TTN-AS1 (TTN antisense RNA 1; plus strand). Cytogenetic location: 2q31.2.
Variant type: single nucleotide variant.
Coding change: c.86911G>A on transcript NM_001267550.2 (MANE Select); coding-DNA position 86911, G replaced by A.
Protein change: p.Gly28971Arg; replaces glycine 28971 with arginine.
Molecular consequence: missense variant.
Genome position (GRCh38, 1-based): chr2:178,558,548, C>T on the plus strand (G>A on the coding strand, the complement: TTN is on the minus strand). VCF-style: chr2-178558548-C-T. GRCh37 (hg19) VCF-style: chr2-179423275-C-T.
Other names: p.Gly27330Arg; c.81988G>A, p.Gly27330Arg (NM_001256850.1); c.59716G>A, p.Gly19906Arg (NM_003319.4); c.79207G>A, p.Gly26403Arg (NM_133378.4); c.60091G>A, p.Gly20031Arg (NM_133432.3); c.60292G>A, p.Gly20098Arg (NM_133437.4); short protein forms G19906R, G20031R, G20098R, G26403R, G27330R, G28971R.
Identifiers: ClinVar variation 1195537 (VCV001195537.7), dbSNP rs368921501, ClinGen allele CA1988409.

ClinVar aggregate classification (germline): Conflicting classifications of pathogenicity. Review status: criteria provided, conflicting classifications (1 of 4 stars). 4 submissions from 4 submitters: Uncertain significance (3); Likely benign (1). Last evaluated 2026-03-21.

Conditions:
Cardiovascular phenotype. Identifiers: MedGen CN230736.
TTN-related disorder. Also called: TTN-related disorders; TTN-related condition; TTN-related disease.

Allele frequency attached by ClinVar (database versions not stated): gnomAD exomes 0.00001 and 0.00004; ExAC 0.00005; gnomAD 0.00009 and 0.00011; TOPMed 0.00011; ESP Exome Variant Server 0.00025.

Submissions (4):

PreventionGenetics, part of Exact Sciences
Classification: Uncertain significance for TTN-related condition. Last evaluated: 2026-03-21. Review status: criteria provided, single submitter. Criteria: ACMG Guidelines, 2015. Collection method: clinical testing. Allele origin: germline.
Comment: The TTN c.86911G>A variant is predicted to result in the amino acid substitution p.Gly28971Arg. To our knowledge, this variant has not been reported in the literature. This variant is reported in 0.045% of alleles in individuals of African descent in gnomAD. At this time, the clinical significance of this variant is uncertain due to the absence of conclusive functional and genetic evidence.

Mayo Clinic Laboratories, Mayo Clinic
Classification: Uncertain significance. Last evaluated: 2025-10-02. Review status: criteria provided, single submitter. Criteria: ACMG Guidelines, 2015. Collection method: clinical testing. Allele origin: germline. Observed: 2 variant alleles.

GeneDx
Classification: Likely benign. Last evaluated: 2020-05-19. Review status: criteria provided, single submitter. Criteria: GeneDx Variant Classification Process June 2021. Collection method: clinical testing. Allele origin: germline. Affected: yes.

Ambry Genetics
Classification: Uncertain significance for Cardiovascular phenotype. Last evaluated: 2018-12-13. Review status: criteria provided, single submitter. Criteria: Ambry Variant Classification Scheme 2023. Collection method: clinical testing. Allele origin: germline.
Comment: The p.G19906R variant (also known as c.59716G>A), located in coding exon 154 of the TTN gene, results from a G to A substitution at nucleotide position 59716. The glycine at codon 19906 is replaced by arginine, an amino acid with dissimilar properties. This amino acid position is highly conserved in available vertebrate species. In addition, the in silico prediction for this alteration is inconclusive. Since supporting evidence is limited at this time, the clinical significance of this alteration remains unclear.